The following is an entry in ClinVar:

ClinVar aggregate classification (germline): Uncertain significance (1 of 4 stars; one submission).

Submission:

Ambry Genetics
Classification: Uncertain significance. Last evaluated: 2022-01-03. Review status: criteria provided, single submitter. Criteria: Ambry Variant Classification Scheme 2023. Collection method: clinical testing. Allele origin: germline.
Comment: The p.Y1177C variant (also known as c.3530A>G), located in coding exon 4 of the MLH3 gene, results from an A to G substitution at nucleotide position 3530. The tyrosine at codon 1177 is replaced by cysteine, an amino acid with highly dissimilar properties. This amino acid position is not well conserved in available vertebrate species. In addition, the in silico prediction for this alteration is inconclusive. The evidence for this gene-disease relationship is limited; therefore, the clinical significance of this alteration is unclear.

NM_001040108.2(MLH3):c.3530A>G (p.Tyr1177Cys)

Gene: MLH3 (mutL homolog 3; minus strand). Cytogenetic location: 14q24.3.
Variant type: single nucleotide variant.
Coding change: c.3530A>G on transcript NM_001040108.2 (MANE Select); coding-DNA position 3530, A replaced by G.
Protein change: p.Tyr1177Cys; replaces tyrosine 1177 with cysteine.
Molecular consequence: missense variant.
Genome position (GRCh38, 1-based): chr14:75,039,951, T>C on the plus strand (A>G on the coding strand, the complement: MLH3 is on the minus strand). VCF-style: chr14-75039951-T-C. GRCh37 (hg19) VCF-style: chr14-75506654-T-C.
Other names: c.3530A>G, p.Tyr1177Cys (NM_014381.3); short protein forms Y1177C.
Identifiers: ClinVar variation 1732361 (VCV001732361.2), dbSNP rs2503195448, ClinGen allele CA390428570.
Genomic context (GRCh38, chr14:75,039,951, plus strand): 5'-TTTTGAAGTTAATCTTTTACCTGCATTGAATGAATCATTCCTTTGGTGAAACGATAGGGA[T>C]ACAAGATGTTGTGAATTTTAACTGCTAAGCTCTCAGCCTGGCCACTGCTTACATCAACAG-3'
Protein context (NP_001035197.1, residues 1167-1187): SLAVKIHNIL[Tyr1177Cys]PYRFTKGMIH